The following is an entry in ClinVar:

NM_003403.5(YY1):c.607AAG[1] (p.Lys204del)

Gene: YY1 (YY1 transcription factor; plus strand). Cytogenetic location: 14q32.2.
Variant type: Microsatellite.
Coding change: c.607AAG[1] on transcript NM_003403.5 (MANE Select); one copy of the 3-base unit AAG starting at c.607; the reference has two copies in a row; one copy, 3 bases deleted; also written c.610_612del.
Protein change: p.Lys204del; deletes lysine 204.
Molecular consequence: inframe deletion.
Genome position (GRCh38, 1-based): chr14:100,239,854-100,239,856, AAG deleted; deleting any 3 consecutive bases within chr14:100,239,851-100,239,856 gives the same sequence; the position shown is the placement nearest the transcript's 3' end. VCF-style (leftmost placement, unchanged base first): chr14-100239850-CAAG-C. GRCh37 (hg19) VCF-style: chr14-100706187-CAAG-C.
Other names: c.610_612del (NM_003403.5); short protein forms K204del.
Identifiers: ClinVar variation 4884042 (VCV004884042.2).

ClinVar aggregate classification (germline): Uncertain significance (1 of 4 stars; one submission).

Conditions:
Gabriele de Vries syndrome. Identifiers: Orphanet 506358, MedGen C4479652, MONDO:0044738, OMIM 617557.

Submission:

Dasa
Classification: Uncertain significance for Gabriele de Vries syndrome. Last evaluated: 2026-01-01. Review status: criteria provided, single submitter. Criteria: DASA Assertion Criteria. Collection method: clinical testing. Allele origin: germline.
Comment: NM_003403.5(YY1):c.610_612del (p.Lys204del) is an in-frame deletion predicted to remove lysine at protein position 204 without shifting the reading frame. This variant is rare in population databases. The currently available literature and clinical evidence are not sufficient to establish a definitive association between this variant and the reported condition. Therefore, this variant is classified as a variant of uncertain significance.